The following is an entry in ClinVar:

NM_004713.6(NEMF):c.2020dup (p.Arg674fs)

Gene: NEMF (nuclear export mediator factor; minus strand). Cytogenetic location: 14q21.3.
Variant type: Duplication.
Coding change: c.2020dup on transcript NM_004713.6 (MANE Select); coding-DNA position 2020, one base duplicated (A; older notation c.2020dupA).
Protein change: p.Arg674fs; shifts the reading frame from arginine 674.
Molecular consequence: frameshift variant.
Genome position (GRCh38, 1-based): chr14:49,802,528, T duplicated on the plus strand (A on the coding strand, the reverse complement: NEMF is on the minus strand). VCF-style (leftmost placement, unchanged base first): chr14-49802527-C-CT. GRCh37 (hg19) VCF-style: chr14-50269245-C-CT.
Other names: c.1957dup, p.Arg653fs (NM_001301732.3); short protein forms R674fs, R653fs.
Identifiers: ClinVar variation 2410827 (VCV002410827.2), dbSNP rs2503151361, ClinGen allele CA2580088153.
Genomic context (GRCh38, chr14:49,802,527, plus strand): 5'-TCTTCTGATATGAGTTCACTTGTACAACTTGCCAGTGTCTCCATGTCTTCATCCTGTACT[C>CT]TGACTTTTCGTTCACCCTGATGTCTCCAAACACAAGACTCATCTACCTAAAGAAACAGTT-3'

ClinVar aggregate classification (germline): Pathogenic (1 of 4 stars; one submission).

Conditions:
Inborn genetic diseases. Identifiers: MedGen C0950123, MeSH D030342.

Submission:

Ambry Genetics
Classification: Pathogenic for Inborn genetic diseases. Last evaluated: 2021-06-30. Review status: criteria provided, single submitter. Criteria: Ambry Variant Classification Scheme 2023. Collection method: clinical testing. Allele origin: germline.
Comment: The c.2020dupA (p.R674Kfs*5) alteration, located in coding exon 22 of the NEMF gene, consists of a duplication of A at position 2020, causing a translational frameshift with a predicted alternate stop codon after 5 amino acids. This alteration is expected to result in loss of function by premature protein truncation or nonsense-mediated mRNA decay. Based on data from the Genome Aggregation Database (gnomAD), the NEMF c.2020dupA alteration was not observed, with coverage at this position. Based on the available evidence, this alteration is classified as pathogenic.